The following is an entry in ClinVar:

ClinVar aggregate classification (germline): Uncertain significance (1 of 4 stars; one submission).

Conditions:
Cowden syndrome 7 (CWS7). Identifiers: Orphanet 201, MedGen C4225179, MONDO:0014802, OMIM 616858.
Congenital dyserythropoietic anemia, type II (CDAN2). Also called: DYSERYTHROPOIETIC ANEMIA, HEMPAS TYPE. Identifiers: Orphanet 98873, MedGen C1306589, MONDO:0009134, OMIM 224100.

gnomAD v4.1: 2 of 1,614,222 alleles (0.00012%); highest among the groups gnomAD compares: Non-Finnish European, 0.00017%; no homozygotes.

Submission:

Labcorp Genetics (formerly Invitae), Labcorp
Classification: Uncertain significance for Congenital dyserythropoietic anemia, type II; Cowden syndrome 7. Last evaluated: 2025-09-16. Review status: criteria provided, single submitter. Criteria: Invitae Variant Classification Sherloc (09022015). Collection method: clinical testing. Allele origin: germline.
Comment: This sequence change replaces lysine, which is basic and polar, with asparagine, which is neutral and polar, at codon 260 of the SEC23B protein (p.Lys260Asn). This variant is present in population databases (rs763007439, gnomAD 0.0009%). This variant has not been reported in the literature in individuals affected with SEC23B-related conditions. Invitae Evidence Modeling of protein sequence and biophysical properties (such as structural, functional, and spatial information, amino acid conservation, physicochemical variation, residue mobility, and thermodynamic stability) indicates that this missense variant is not expected to disrupt SEC23B protein function with a negative predictive value of 95%. In summary, the available evidence is currently insufficient to determine the role of this variant in disease. Therefore, it has been classified as a Variant of Uncertain Significance.

NM_006363.6(SEC23B):c.780G>C (p.Lys260Asn)

Gene: SEC23B (SEC23 homolog B, COPII component; plus strand). Cytogenetic location: 20p11.23.
Variant type: single nucleotide variant.
Coding change: c.780G>C on transcript NM_006363.6 (MANE Select); coding-DNA position 780, G replaced by C.
Protein change: p.Lys260Asn; replaces lysine 260 with asparagine.
Molecular consequence: missense variant.
Genome position (GRCh38, 1-based): chr20:18,525,878, G>C. VCF-style: chr20-18525878-G-C. GRCh37 (hg19) VCF-style: chr20-18506522-G-C.
Other names: c.780G>C, p.Lys260Asn (NM_001172745.3, NM_032985.6, NM_032986.5); c.726G>C, p.Lys242Asn (NM_001172746.3); short protein forms K260N, K242N.
Identifiers: ClinVar variation 4791193 (VCV004791193.1).
Genomic context (GRCh38, chr20:18,525,878, plus strand): 5'-GAACCTCACTGATCTTCTTGGGGAGCTACAGAGGGACCCATGGCCAGTAACTCAGGGGAA[G>C]AGACCTTTGCGATCCACTGGTGTGGCTTTGTCCATTGCTGTTGGCTTGCTGGAGGTAATT-3'
Protein context (NP_006354.2, residues 250-270): QRDPWPVTQG[Lys260Asn]RPLRSTGVAL